The following is an entry in ClinVar:

NM_020964.3(EPG5):c.671_672insCAGC (p.Gly225fs)

Gene: EPG5 (ectopic P-granules 5 autophagy tethering factor; minus strand). Cytogenetic location: 18q21.1.
Variant type: Insertion.
Coding change: c.671_672insCAGC on transcript NM_020964.3 (MANE Select); coding-DNA positions 671 to 672, CAGC inserted.
Protein change: p.Gly225fs; shifts the reading frame from glycine 225.
Molecular consequence: frameshift variant.
Genome position: GRCh38 VCF-style: chr18-45954730-A-AGCTG. GRCh37 (hg19) VCF-style: chr18-43534696-A-AGCTG.
Other names: c.671_672insCAGC, p.Gly225fs (NM_001410858.1, NM_001410859.1); short protein forms G225fs.
Identifiers: ClinVar variation 2818388 (VCV002818388.3), dbSNP rs2512126053, ClinGen allele CA2739268736.

ClinVar aggregate classification (germline): Pathogenic (1 of 4 stars; one submission).

Conditions:
Vici syndrome (VICIS). Identifiers: Orphanet 1493, MedGen C1855772, MONDO:0009452, OMIM 242840.

Submission:

Labcorp Genetics (formerly Invitae), Labcorp
Classification: Pathogenic for Vici syndrome. Last evaluated: 2022-12-03. Review status: criteria provided, single submitter. Criteria: Invitae Variant Classification Sherloc (09022015). Collection method: clinical testing. Allele origin: germline.
Comment: This sequence change creates a premature translational stop signal (p.Gly225Serfs*17) in the EPG5 gene. It is expected to result in an absent or disrupted protein product. Loss-of-function variants in EPG5 are known to be pathogenic (PMID: 23222957, 23674064). For these reasons, this variant has been classified as Pathogenic. This variant has not been reported in the literature in individuals affected with EPG5-related conditions. This variant is not present in population databases (gnomAD no frequency).

Literature cited by the submitters: PubMed 23222957; PubMed 23674064.